The following is an entry in ClinVar:

ClinVar aggregate classification (germline): Uncertain significance (1 of 4 stars; one submission).

gnomAD v4.1: 5 of 1,614,026 alleles (0.00031%); highest among the groups gnomAD compares: Non-Finnish European, 0.00042%; no homozygotes.

Submission:

Ambry Genetics
Classification: Uncertain significance. Last evaluated: 2024-05-26. Review status: criteria provided, single submitter. Criteria: Ambry Variant Classification Scheme 2023. Collection method: clinical testing. Allele origin: germline.
Comment: The p.C280W variant (also known as c.840C>G), located in coding exon 4 of the TMPO gene, results from a C to G substitution at nucleotide position 840. The cysteine at codon 280 is replaced by tryptophan, an amino acid with highly dissimilar properties. This amino acid position is conserved. In addition, this alteration is predicted to be tolerated by in silico analysis. Based on the available evidence, the clinical significance of this variant remains unclear.

NM_001032283.3(TMPO):c.565+1259C>G

Gene: TMPO (thymopoietin; plus strand). Cytogenetic location: 12q23.1.
Variant type: single nucleotide variant.
Coding change: c.565+1259C>G on transcript NM_001032283.3 (MANE Select); 1259 bases into the intron after coding-DNA position 565, C replaced by G.
Molecular consequence: intron variant. On other transcripts: missense variant (1).
Genome position (GRCh38, 1-based): chr12:98,533,097, C>G. VCF-style: chr12-98533097-C-G. GRCh37 (hg19) VCF-style: chr12-98926875-C-G.
Other names: c.840C>G, p.Cys280Trp (NM_003276.2); c.565+1259C>G (NM_001307975.2, NM_001032284.3); short protein forms C280W.
Identifiers: ClinVar variation 3327285 (VCV003327285.1).
Genomic context (GRCh38, chr12:98,533,097, plus strand): 5'-CTTGCCTGGCAGGGGACAGTTGCAGAAGTTAGCCTCTGAAAGGAATTTGTTTATTTCATG[C>G]AAGTCTAGCCATGATAGGTGTTTAGAGAAAAGTTCTTCGTCATCTTCTCAGCCTGAACAC-3'